The following is an entry in ClinVar:

NM_004360.5(CDH1):c.602C>A (p.Pro201His)

Gene: CDH1 (cadherin 1; plus strand). Cytogenetic location: 16q22.1.
Variant type: single nucleotide variant.
Coding change: c.602C>A on transcript NM_004360.5 (MANE Select); coding-DNA position 602, C replaced by A.
Protein change: p.Pro201His; replaces proline 201 with histidine.
Molecular consequence: missense variant. On other transcripts: 5 prime UTR variant (2).
Genome position (GRCh38, 1-based): chr16:68,808,763, C>A. VCF-style: chr16-68808763-C-A. GRCh37 (hg19) VCF-style: chr16-68842666-C-A.
Other names: c.602C>A (LRG_301t1); c.602C>A, p.Pro201His (NM_001317184.2); c.-1014C>A (NM_001317185.2); c.-1218C>A (NM_001317186.2); short protein forms P201H.
Identifiers: ClinVar variation 479493 (VCV000479493.9), dbSNP rs146777134, ClinGen allele CA396457993.

ClinVar aggregate classification (germline): Uncertain significance. Review status: criteria provided, multiple submitters, no conflicts (2 of 4 stars). 2 submissions from 2 submitters: Uncertain significance (2). Last evaluated 2021-10-21.

Conditions:
Hereditary cancer-predisposing syndrome. Also called: Tumor predisposition; Neoplastic Syndromes, Hereditary; Hereditary Cancer Syndrome; Hereditary neoplastic syndrome. Identifiers: Orphanet 140162, MedGen C0027672, MeSH D009386, MONDO:0015356.
Hereditary diffuse gastric adenocarcinoma (HDGC). Also called: DIFFUSE GASTRIC AND LOBULAR BREAST CANCER SYNDROME. Identifiers: Orphanet 26106, MedGen C1708349, MONDO:0007648, OMIM 137215.

gnomAD v4.1: 1 of 1,614,146 alleles (0.000062%); highest among the groups gnomAD compares: Non-Finnish European, 0.000085%; no homozygotes.

Submissions (2):

Labcorp Genetics (formerly Invitae), Labcorp
Classification: Uncertain significance for Hereditary diffuse gastric adenocarcinoma. Last evaluated: 2021-10-21. Review status: criteria provided, single submitter. Criteria: Invitae Variant Classification Sherloc (09022015). Collection method: clinical testing. Allele origin: germline.
Comment: This sequence change replaces proline with histidine at codon 201 of the CDH1 protein (p.Pro201His). The proline residue is highly conserved and there is a moderate physicochemical difference between proline and histidine. This variant is not present in population databases (ExAC no frequency). This variant has not been reported in the literature in individuals affected with CDH1-related conditions. ClinVar contains an entry for this variant (Variation ID: 479493). Algorithms developed to predict the effect of missense changes on protein structure and function (SIFT, PolyPhen-2, Align-GVGD) all suggest that this variant is likely to be disruptive. In summary, the available evidence is currently insufficient to determine the role of this variant in disease. Therefore, it has been classified as a Variant of Uncertain Significance.

Ambry Genetics
Classification: Uncertain significance for Hereditary cancer-predisposing syndrome. Last evaluated: 2016-02-16. Review status: criteria provided, single submitter. Criteria: Ambry Variant Classification Scheme 2023. Collection method: clinical testing. Allele origin: germline.
Comment: The p.P201H variant (also known as c.602C>A), located in coding exon 5 of the CDH1 gene, results from a C to A substitution at nucleotide position 602. The proline at codon 201 is replaced by histidine, an amino acid with similar properties. This variant was not reported in population based cohorts in the following databases: Database of Single Nucleotide Polymorphisms (dbSNP), NHLBI Exome Sequencing Project (ESP), and 1000 Genomes Project. In the ESP, this variant was not observed in 6498 samples (12996 alleles) with coverage at this position. To date, this alteration has been detected with an allele frequency of approximately 0.001% (greater than 175000 alleles tested) in our clinical cohort. This amino acid position is highly conserved in available vertebrate species. In addition, the in silico prediction for this alteration is inconclusive. Since supporting evidence is limited at this time, the clinical significance of this alteration remains unclear.